The following is an entry in ClinVar:

ClinVar aggregate classification (germline): Uncertain significance (0 of 4 stars; one submission).

Conditions:
FAT1-related disorder. Also called: FAT1-related condition.

Submission:

PreventionGenetics, part of Exact Sciences
Classification: Uncertain significance for FAT1-related condition. Last evaluated: 2024-08-30. Review status: no assertion criteria provided. Collection method: clinical testing. Allele origin: germline.
Comment: The FAT1 c.847C>G variant is predicted to result in the amino acid substitution p.Gln283Glu. To our knowledge, this variant has not been reported in the literature or in a large population database, indicating this variant is rare. At this time, the clinical significance of this variant is uncertain due to the absence of conclusive functional and genetic evidence.

NM_005245.4(FAT1):c.847C>G (p.Gln283Glu)

Gene: FAT1 (FAT atypical cadherin 1; minus strand). Cytogenetic location: 4q35.2.
Variant type: single nucleotide variant.
Coding change: c.847C>G on transcript NM_005245.4 (MANE Select); coding-DNA position 847, C replaced by G.
Protein change: p.Gln283Glu; replaces glutamine 283 with glutamic acid.
Molecular consequence: missense variant.
Genome position (GRCh38, 1-based): chr4:186,708,981, G>C on the plus strand (C>G on the coding strand, the complement: FAT1 is on the minus strand). VCF-style: chr4-186708981-G-C. GRCh37 (hg19) VCF-style: chr4-187630135-G-C.
Other names: short protein forms Q283E.
Identifiers: ClinVar variation 3345196 (VCV003345196.1).